The following is an entry in ClinVar:

NM_001330701.2(AGTPBP1):c.2336-1G>T

Gene: AGTPBP1 (ATP/GTP binding carboxypeptidase 1; minus strand). Cytogenetic location: 9q21.33.
Variant type: single nucleotide variant.
Coding change: c.2336-1G>T on transcript NM_001330701.2 (MANE Select); the canonical splice acceptor site of the intron before coding-DNA position 2336, G replaced by T.
Molecular consequence: splice acceptor variant.
Genome position (GRCh38, 1-based): chr9:85,596,450, C>A on the plus strand (G>T on the coding strand, the complement: AGTPBP1 is on the minus strand). VCF-style: chr9-85596450-C-A. GRCh37 (hg19) VCF-style: chr9-88211365-C-A.
Other names: IVS17AS, G-T, -1; c.2372-1G>T (NM_001286717.1); c.2492-1G>T (NM_001286715.1); c.2216-1G>T (NM_015239.3).
Identifiers: ClinVar variation 522816 (VCV000522816.4), dbSNP rs1554699491, ClinGen allele CA373917666.

ClinVar aggregate classification (germline): Pathogenic. Review status: criteria provided, single submitter (1 of 4 stars). 2 submissions from 2 submitters: Pathogenic (1). 1 of the submissions does not count toward it. Last evaluated 2017-01-05.

Conditions:
Neurodegeneration, childhood-onset, with cerebellar atrophy. Identifiers: MedGen C4748934, MONDO:0032650, OMIM 618276.
AGTPBP1-related disorder. Also called: AGTPBP1-related condition.

gnomAD v4.1: 1 of 1,553,512 alleles (0.000064%); highest among the groups gnomAD compares: Non-Finnish European, 0.000087%; no homozygotes.

Submissions (2):

Undiagnosed Diseases Network, NIH
Classification: Pathogenic for AGTPBP1-related condition. Last evaluated: 2017-01-05. Review status: criteria provided, single submitter. Criteria: ACMG Guidelines, 2015. Collection method: research. Allele origin: unknown. Inheritance: Autosomal recessive inheritance. Affected: yes. Observed: 1 variant allele, 1 compound heterozygote. Study: Undiagnosed Diseases Network (NIH), UDN.

OMIM
Classification: Pathogenic for NEURODEGENERATION, CHILDHOOD-ONSET, WITH CEREBELLAR ATROPHY. Last evaluated: 2019-01-11. Review status: no assertion criteria provided. Collection method: literature only. Allele origin: germline. Not counted in ClinVar's aggregate classification.

Literature cited by the submitters: PubMed 30420557 (cited by OMIM).